The following is an entry in ClinVar:

NM_032043.3(BRIP1):c.188G>A (p.Trp63Ter)

Gene: BRIP1 (BRCA1 interacting DNA helicase 1; minus strand). Cytogenetic location: 17q23.2.
Variant type: single nucleotide variant.
Coding change: c.188G>A on transcript NM_032043.3 (MANE Select); coding-DNA position 188, G replaced by A.
Protein change: p.Trp63Ter; replaces tryptophan 63 with a stop codon.
Molecular consequence: nonsense.
Genome position (GRCh38, 1-based): chr17:61,859,813, C>T on the plus strand (G>A on the coding strand, the complement: BRIP1 is on the minus strand). VCF-style: chr17-61859813-C-T. GRCh37 (hg19) VCF-style: chr17-59937174-C-T.
Other names: short protein forms W63*.
Identifiers: ClinVar variation 820224 (VCV000820224.14), dbSNP rs1603367649, ClinGen allele CA400485684.

ClinVar aggregate classification (germline): Pathogenic/Likely pathogenic. Review status: criteria provided, multiple submitters, no conflicts (2 of 4 stars). 4 submissions from 4 submitters: Pathogenic (3); Likely pathogenic (1). Last evaluated 2026-02-05.

Conditions:
Familial cancer of breast. Also called: Hereditary breast cancer; hereditary breast carcinoma; BREAST CANCER, FAMILIAL. Identifiers: Orphanet 227535, MedGen C0346153, MONDO:0016419, OMIM 114480. Disease mechanism: loss of function.
Fanconi anemia complementation group J. Also called: BRIP1-Related Fanconi Anemia. Identifiers: Orphanet 84, MedGen C1836860, MONDO:0012187, OMIM 609054.
Hereditary cancer-predisposing syndrome. Also called: Hereditary Cancer Syndrome; Neoplastic Syndromes, Hereditary; Hereditary neoplastic syndrome; Tumor predisposition. Identifiers: Orphanet 140162, MedGen C0027672, MeSH D009386, MONDO:0015356.

Submissions (4):

GeneDx
Classification: Likely pathogenic. Last evaluated: 2026-02-05. Review status: criteria provided, single submitter. Criteria: GeneDx Variant Classification Process June 2021. Collection method: clinical testing. Allele origin: germline. Affected: yes.
Comment: Nonsense variant predicted to result in protein truncation or nonsense mediated decay in a gene for which loss of function is a known mechanism of disease; Not observed at significant frequency in large population cohorts (gnomAD); Has not been previously published as pathogenic or benign to our knowledge; This variant is associated with the following publications: (PMID: 29368626)

Ambry Genetics
Classification: Pathogenic for Hereditary cancer-predisposing syndrome. Last evaluated: 2024-07-16. Review status: criteria provided, single submitter. Criteria: Ambry Variant Classification Scheme 2023. Collection method: clinical testing. Allele origin: germline.
Comment: The p.W63* pathogenic mutation (also known as c.188G>A), located in coding exon 2 of the BRIP1 gene, results from a G to A substitution at nucleotide position 188. This changes the amino acid from a tryptophan to a stop codon within coding exon 2. This alteration is expected to result in loss of function by premature protein truncation or nonsense-mediated mRNA decay. As such, this alteration is interpreted as a disease-causing mutation.

Labcorp Genetics (formerly Invitae), Labcorp
Classification: Pathogenic for Familial cancer of breast; Fanconi anemia complementation group J. Last evaluated: 2024-04-13. Review status: criteria provided, single submitter. Criteria: Invitae Variant Classification Sherloc (09022015). Collection method: clinical testing. Allele origin: germline.
Comment: This sequence change creates a premature translational stop signal (p.Trp63*) in the BRIP1 gene. It is expected to result in an absent or disrupted protein product. Loss-of-function variants in BRIP1 are known to be pathogenic (PMID: 16116423, 17033622, 21964575). This variant is not present in population databases (gnomAD no frequency). This variant has not been reported in the literature in individuals affected with BRIP1-related conditions. ClinVar contains an entry for this variant (Variation ID: 820224). Algorithms developed to predict the effect of sequence changes on RNA splicing suggest that this variant may disrupt the consensus splice site. For these reasons, this variant has been classified as Pathogenic.

Myriad Genetics, Inc.
Classification: Pathogenic for Familial cancer of breast. Last evaluated: 2023-05-30. Review status: criteria provided, single submitter. Criteria: Myriad Autosomal Dominant, Autosomal Recessive and X-Linked Classification Criteria (2023). Collection method: clinical testing. Allele origin: unknown.
Comment: This variant is considered pathogenic. This variant creates a termination codon and is predicted to result in premature protein truncation.

Literature cited by the submitters: PubMed 16116423 (cited by Labcorp Genetics (formerly Invitae), Labcorp); PubMed 17033622 (cited by Labcorp Genetics (formerly Invitae), Labcorp); PubMed 21964575 (cited by Labcorp Genetics (formerly Invitae), Labcorp).